The following is an entry in ClinVar:

NM_015335.5(MED13L):c.650A>C (p.Asn217Thr)

Gene: MED13L (mediator complex subunit 13L; minus strand). Cytogenetic location: 12q24.21.
Variant type: single nucleotide variant.
Coding change: c.650A>C on transcript NM_015335.5 (MANE Select); coding-DNA position 650, A replaced by C.
Protein change: p.Asn217Thr; replaces asparagine 217 with threonine.
Molecular consequence: missense variant.
Genome position (GRCh38, 1-based): chr12:116,019,948, T>G on the plus strand (A>C on the coding strand, the complement: MED13L is on the minus strand). VCF-style: chr12-116019948-T-G. GRCh37 (hg19) VCF-style: chr12-116457753-T-G.
Other names: short protein forms N217T.
Identifiers: ClinVar variation 252697 (VCV000252697.5), dbSNP rs772021396, ClinGen allele CA6811604.

ClinVar aggregate classification (germline): Uncertain significance. Review status: criteria provided, multiple submitters, no conflicts (2 of 4 stars). 2 submissions from 2 submitters: Uncertain significance (2). Last evaluated 2024-09-10.

Conditions:
Dextro-looped transposition of the great arteries. Also called: Dextrotransposition of the great arteries. Identifiers: Orphanet 860, MedGen C3531771, MONDO:0019443, OMIM 608808, HP:0031348.

Allele frequency attached by ClinVar (database versions not stated): ExAC 0.00002; gnomAD exomes 0.00002 and 0.00005; TOPMed 0.00003; gnomAD 0.00010.
gnomAD v4.1: 78 of 1,613,564 alleles (0.0048%); highest among the groups gnomAD compares: Non-Finnish European, 0.0064%; no homozygotes.

Submissions (2):

Labcorp Genetics (formerly Invitae), Labcorp
Classification: Uncertain significance for Dextro-looped transposition of the great arteries. Last evaluated: 2024-09-10. Review status: criteria provided, single submitter. Criteria: Invitae Variant Classification Sherloc (09022015). Collection method: clinical testing. Allele origin: germline.
Comment: This sequence change replaces asparagine, which is neutral and polar, with threonine, which is neutral and polar, at codon 217 of the MED13L protein (p.Asn217Thr). This variant is present in population databases (rs772021396, gnomAD 0.006%). This variant has not been reported in the literature in individuals affected with MED13L-related conditions. ClinVar contains an entry for this variant (Variation ID: 252697). Invitae Evidence Modeling of protein sequence and biophysical properties (such as structural, functional, and spatial information, amino acid conservation, physicochemical variation, residue mobility, and thermodynamic stability) indicates that this missense variant is not expected to disrupt MED13L protein function with a negative predictive value of 80%. In summary, the available evidence is currently insufficient to determine the role of this variant in disease. Therefore, it has been classified as a Variant of Uncertain Significance.

Genomic Diagnostic Laboratory, Division of Genomic Diagnostics, Children's Hospital of Philadelphia
Classification: Uncertain significance. Last evaluated: 2015-08-19. Review status: criteria provided, single submitter. Criteria: DGD Variant Analysis Guidelines. Collection method: clinical testing. Allele origin: unknown.